The following is an entry in ClinVar:

NM_001113491.2(SEPTIN9):c.1403A>G (p.Asn468Ser)

Gene: SEPTIN9 (septin 9; plus strand). Cytogenetic location: 17q25.3.
Variant type: single nucleotide variant.
Coding change: c.1403A>G on transcript NM_001113491.2 (MANE Select); coding-DNA position 1403, A replaced by G.
Protein change: p.Asn468Ser; replaces asparagine 468 with serine.
Molecular consequence: missense variant.
Genome position (GRCh38, 1-based): chr17:77,492,643, A>G. VCF-style: chr17-77492643-A-G. GRCh37 (hg19) VCF-style: chr17-75488725-A-G.
Other names: c.911A>G, p.Asn304Ser (NM_001113492.2, NM_001113494.1); c.1382A>G, p.Asn461Ser (NM_001113493.2); c.650A>G, p.Asn217Ser (NM_001113495.2, NM_001113496.2, NM_001293697.2 and 1 more transcripts); c.1346A>G, p.Asn449Ser (NM_001293695.2); c.731A>G, p.Asn244Ser (NM_001293696.2); c.1349A>G, p.Asn450Ser (NM_006640.5); short protein forms N244S, N449S, N461S, N468S, N217S, N304S, N450S.
Identifiers: ClinVar variation 2834952 (VCV002834952.3), dbSNP rs759173216, ClinGen allele CA8793789.

ClinVar aggregate classification (germline): Uncertain significance (1 of 4 stars; one submission).

Allele frequency attached by ClinVar (database versions not stated): gnomAD exomes below 0.00001; ExAC 0.00001; gnomAD 0.00001; TOPMed 0.00001.
gnomAD v4.1: 7 of 1,613,968 alleles (0.00043%); highest among the groups gnomAD compares: African/African-American, 0.0013%; no homozygotes.

Submission:

Labcorp Genetics (formerly Invitae), Labcorp
Classification: Uncertain significance. Last evaluated: 2023-02-06. Review status: criteria provided, single submitter. Criteria: Invitae Variant Classification Sherloc (09022015). Collection method: clinical testing. Allele origin: germline.
Comment: In summary, the available evidence is currently insufficient to determine the role of this variant in disease. Therefore, it has been classified as a Variant of Uncertain Significance. Advanced modeling of protein sequence and biophysical properties (such as structural, functional, and spatial information, amino acid conservation, physicochemical variation, residue mobility, and thermodynamic stability) performed at Invitae indicates that this missense variant is not expected to disrupt SEPT9 protein function. This variant has not been reported in the literature in individuals affected with SEPT9-related conditions. This variant is present in population databases (rs759173216, gnomAD 0.007%). This sequence change replaces asparagine, which is neutral and polar, with serine, which is neutral and polar, at codon 450 of the SEPT9 protein (p.Asn450Ser).